The following is an entry in ClinVar:

NM_000553.6(WRN):c.3101A>T (p.Tyr1034Phe)

Gene: WRN (WRN RecQ like helicase; plus strand). Cytogenetic location: 8p12.
Variant type: single nucleotide variant.
Coding change: c.3101A>T on transcript NM_000553.6 (MANE Select); coding-DNA position 3101, A replaced by T.
Protein change: p.Tyr1034Phe; replaces tyrosine 1034 with phenylalanine.
Molecular consequence: missense variant.
Genome position (GRCh38, 1-based): chr8:31,141,563, A>T. VCF-style: chr8-31141563-A-T. GRCh37 (hg19) VCF-style: chr8-30999079-A-T.
Other names: short protein forms Y1034F.
Identifiers: ClinVar variation 238146 (VCV000238146.31), dbSNP rs200370409, ClinGen allele CA4704933.

ClinVar aggregate classification (germline): Benign/Likely benign. Review status: criteria provided, multiple submitters, no conflicts (2 of 4 stars). 7 submissions from 6 submitters: Benign (1); Likely benign (5). 1 of the submissions does not count toward it. Last evaluated 2026-01-24.

Conditions:
WRN-related disorder. Also called: WRN-related condition.
Wiskott-Aldrich syndrome (WAS). Also called: ALDRICH SYNDROME; IMMUNODEFICIENCY 2; WISKOTT-ALDRICH SYNDROME 1; Wiskott-aldrich syndrome, somatic. Identifiers: Orphanet 906, MedGen C0043194, MONDO:0010518, OMIM 301000.
Werner syndrome (WRN). Identifiers: Orphanet 902, MedGen C0043119, MONDO:0010196, OMIM 277700.

Allele frequency attached by ClinVar (database versions not stated): gnomAD exomes 0.00031; ExAC 0.00036; TOPMed 0.00040; 1000 Genomes Project 30x 0.00047; 1000 Genomes Project 0.00060; gnomAD 0.00024 and 0.00026; ESP Exome Variant Server 0.00031.
gnomAD v4.1: 367 of 1,614,178 alleles (0.023%); highest among the groups gnomAD compares: Middle Eastern, 0.35%; no homozygotes.

Submissions (7):

Labcorp Genetics (formerly Invitae), Labcorp
Classification: Likely benign for Werner syndrome. Last evaluated: 2026-01-24. Review status: criteria provided, single submitter. Criteria: Invitae Variant Classification Sherloc (09022015). Collection method: clinical testing. Allele origin: germline.

CeGaT Center for Human Genetics Tuebingen
Classification: Likely benign. Last evaluated: 2025-09-01. Review status: criteria provided, single submitter. Criteria: CeGaT Center For Human Genetics Tuebingen Variant Classification Criteria Version 2. Collection method: clinical testing. Allele origin: germline. Affected: yes. Observed: 2 variant alleles.
Comment: WRN: BP4, BS1

Laboratory of Genetics, Children's Clinical University Hospital Latvia
Classification: Likely benign. Last evaluated: 2025-02-16. Review status: criteria provided, single submitter. Criteria: ACMG Guidelines, 2015. Collection method: clinical testing. Allele origin: germline. Affected: yes.

KCCC/NGS Laboratory, Kuwait Cancer Control Center
Classification: Benign for Werner syndrome. Last evaluated: 2025-02-01. Review status: criteria provided, single submitter. Criteria: ACMG Guidelines, 2015. Collection method: clinical testing. Allele origin: germline. Affected: no.

Blueprint Genetics
Classification: Likely benign. Last evaluated: 2024-11-07. Review status: criteria provided, single submitter. Criteria: ACMG Guidelines, 2015. Collection method: clinical testing. Allele origin: germline.

KCCC/NGS Laboratory, Kuwait Cancer Control Center
Classification: Likely benign for Wiskott-Aldrich syndrome. Last evaluated: 2023-07-07. Review status: criteria provided, single submitter. Criteria: ACMG Guidelines, 2015. Collection method: clinical testing. Allele origin: germline. Affected: yes.

PreventionGenetics, part of Exact Sciences
Classification: Uncertain significance for WRN-related condition. Last evaluated: 2024-02-13. Review status: no assertion criteria provided. Collection method: clinical testing. Allele origin: germline. Not counted in ClinVar's aggregate classification.
Comment: The WRN c.3101A>T variant is predicted to result in the amino acid substitution p.Tyr1034Phe. This variant was reported in an individual with dyskeratosis/aplastic anemia (Patient #48, Arias-Salgado et al. 2019. PubMed ID: 30995915). This variant was also documented in an individual with multiple types of cancer (Hodgkin lymphoma, lymphangioma, breast carcinoma); however, this individual also harbored chain-terminating variants in CDKN2A and PMS1. This variant is reported in 0.12% of alleles in individuals of South Asian descent in gnomAD and is interpreted as likely benign in ClinVar. Although we suspect that this variant may be benign, at this time, the clinical significance of this variant is uncertain due to the absence of conclusive functional and genetic evidence.